The following is an entry in ClinVar:

NM_014336.5(AIPL1):c.142_145del (p.Val48fs)

Gene: AIPL1 (AIP like 1 HSP90 co-chaperone; minus strand). Cytogenetic location: 17p13.2.
Variant type: Deletion.
Coding change: c.142_145del on transcript NM_014336.5 (MANE Select); coding-DNA positions 142 to 145, 4 bases deleted (GTCA; older notation c.142_145delGTCA).
Protein change: p.Val48fs; shifts the reading frame from valine 48.
Molecular consequence: frameshift variant. On other transcripts: intron variant (2).
Genome position (GRCh38, 1-based): chr17:6,434,050-6,434,053, TGAC deleted on the plus strand (GTCA on the coding strand, the reverse complement: AIPL1 is on the minus strand); deleting any 4 consecutive bases within chr17:6,434,050-6,434,055 gives the same sequence; the c. name uses the placement nearest the transcript's 3' end. VCF-style (leftmost placement, unchanged base first): chr17-6434049-ATGAC-A. GRCh37 (hg19) VCF-style: chr17-6337369-ATGAC-A.
Other names: c.142_145del, p.Val48fs (NM_001033054.3, NM_001285401.3, NM_001285403.4); c.106_109del, p.Val36fs (NM_001285399.3); c.25_28del, p.Val9fs (NM_001285402.2); c.96+956_96+959del (NM_001033055.3); c.97-21_97-18del (NM_001285400.3); short protein forms V48fs, V9fs, V36fs.
Identifiers: ClinVar variation 2863637 (VCV002863637.3), dbSNP rs2543916709, ClinGen allele CA2739265545.
Genomic context (GRCh38, chr17:6,434,049, plus strand): 5'-AGCTTGAACATGTTTCCGATGATGATGTGCATGGGCTGGCCCACCTGCCGACTGTCGTCA[ATGAC>A]TGTCCGCTCCTCATCACATTTCATGGTGCGGAAATGAAAGATCACCTAGTCACCGAGACG-3'

ClinVar aggregate classification (germline): Pathogenic (1 of 4 stars; one submission).

Conditions:
Leber congenital amaurosis 4 (LCA4). Identifiers: MedGen C1858386, MONDO:0011458, OMIM 604393.

Submission:

Labcorp Genetics (formerly Invitae), Labcorp
Classification: Pathogenic for Leber congenital amaurosis 4. Last evaluated: 2023-05-12. Review status: criteria provided, single submitter. Criteria: Invitae Variant Classification Sherloc (09022015). Collection method: clinical testing. Allele origin: germline.
Comment: For these reasons, this variant has been classified as Pathogenic. This variant has not been reported in the literature in individuals affected with AIPL1-related conditions. This variant is not present in population databases (gnomAD no frequency). This sequence change creates a premature translational stop signal (p.Val48Leufs*56) in the AIPL1 gene. It is expected to result in an absent or disrupted protein product. Loss-of-function variants in AIPL1 are known to be pathogenic (PMID: 10615133, 15249368, 15347646).

Literature cited by the submitters: PubMed 10615133; PubMed 15249368; PubMed 15347646.